The following is an entry in ClinVar:

ClinVar aggregate classification (germline): Pathogenic. Review status: criteria provided, multiple submitters, no conflicts (2 of 4 stars). 2 submissions from 2 submitters: Pathogenic (2). Last evaluated 2023-06-06.

Conditions:
Cardiovascular phenotype. Identifiers: MedGen CN230736.

Submissions (2):

Mayo Clinic Laboratories, Mayo Clinic
Classification: Pathogenic. Last evaluated: 2023-06-06. Review status: criteria provided, single submitter. Criteria: ACMG Guidelines, 2015. Collection method: clinical testing. Allele origin: germline. Observed: 1 variant allele.
Comment: PP4, PM2_supporting, PVS1

Ambry Genetics
Classification: Pathogenic for Cardiovascular phenotype. Last evaluated: 2020-10-16. Review status: criteria provided, single submitter. Criteria: Ambry Variant Classification Scheme 2023. Collection method: clinical testing. Allele origin: germline.
Comment: The c.239_240insT pathogenic mutation, located in coding exon 2 of the ACVRL1 gene, results from an insertion of one nucleotide at position 239, causing a translational frameshift with a predicted alternate stop codon (p.T82Hfs*87). This alteration is expected to result in loss of function by premature protein truncation or nonsense-mediated mRNA decay. As such, this alteration is interpreted as a disease-causing mutation.

NM_000020.3(ACVRL1):c.239_240insT (p.Thr82fs)

Gene: ACVRL1 (activin A receptor like type 1; plus strand). Cytogenetic location: 12q13.13.
Variant type: Insertion.
Coding change: c.239_240insT on transcript NM_000020.3 (MANE Select); coding-DNA positions 239 to 240, T inserted.
Protein change: p.Thr82fs; shifts the reading frame from threonine 82.
Molecular consequence: frameshift variant.
Genome position: GRCh38 VCF-style: chr12-51913276-G-GT. GRCh37 (hg19) VCF-style: chr12-52307060-G-GT.
Other names: p.Thr82Hisfs*87; c.239_240insT, p.Thr82fs (NM_001077401.2); c.239_240insT, p.Thr82Hisfs (NM_001406487.1, NM_001406488.1, NM_001406489.1 and 5 more transcripts); short protein forms T82fs.
Identifiers: ClinVar variation 1790556 (VCV001790556.3), dbSNP rs2540158947, ClinGen allele CA2580086442.